The following is an entry in ClinVar:

ClinVar aggregate classification (germline): Conflicting classifications of pathogenicity. Review status: criteria provided, conflicting classifications (1 of 4 stars). 3 submissions from 3 submitters: Likely pathogenic (1); Uncertain significance (2). Last evaluated 2025-10-30.

Conditions:
Ataxia-telangiectasia syndrome (AT). Also called: Ataxia-telangiectasia, complementation group D; AT, COMPLEMENTATION GROUP C; ATAXIA-TELANGIECTASIA, COMPLEMENTATION GROUP A; ATAXIA-TELANGIECTASIA, FRESNO VARIANT; Ataxia-telangiectasia; Ataxia-telangiectasia, complementation group E. Identifiers: Orphanet 100, MedGen C0004135, MONDO:0008840, OMIM 208900.
Hereditary cancer-predisposing syndrome. Also called: Neoplastic Syndromes, Hereditary; Tumor predisposition; Hereditary Cancer Syndrome; Hereditary neoplastic syndrome. Identifiers: Orphanet 140162, MedGen C0027672, MeSH D009386, MONDO:0015356.

Submissions (3):

Ambry Genetics
Classification: Uncertain significance for Hereditary cancer-predisposing syndrome. Last evaluated: 2025-10-30. Review status: criteria provided, single submitter. Criteria: Ambry Variant Classification Scheme 2023. Collection method: clinical testing. Allele origin: germline.
Comment: The p.R2832S variant (also known as c.8494C>A), located in coding exon 57 of the ATM gene, results from a C to A substitution at nucleotide position 8494. The arginine at codon 2832 is replaced by serine, an amino acid with dissimilar properties. Other variant(s) at the same codon, p.R2832C (c.8494C>T), have been identified both as the only mutation and in conjunction with a second mutation in many ataxia-telangiectasia (A-T) patients (Telatar M et al. Am. J. Hum. Genet. 1998 Jan;62:86-97; Li A and Swift M. Am. J. Med. Genet. 2000 May;92:170-7; Becker-Catania SG et al. Mol. Genet. Metab. 2000 Jun;70:122-33; Mitui M et al. Hum. Mutat. 2009 Jan;30:12-21; Ambry internal data). This amino acid position is highly conserved in available vertebrate species. In addition, this alteration is predicted to be deleterious by in silico analysis. Based on the available evidence, the clinical significance of this variant remains unclear.

Labcorp Genetics (formerly Invitae), Labcorp
Classification: Uncertain significance for Ataxia-telangiectasia syndrome. Last evaluated: 2024-11-14. Review status: criteria provided, single submitter. Criteria: Invitae Variant Classification Sherloc (09022015). Collection method: clinical testing. Allele origin: germline.
Comment: This sequence change replaces arginine, which is basic and polar, with serine, which is neutral and polar, at codon 2832 of the ATM protein (p.Arg2832Ser). This variant is not present in population databases (gnomAD no frequency). This variant has not been reported in the literature in individuals affected with ATM-related conditions. Invitae Evidence Modeling of protein sequence and biophysical properties (such as structural, functional, and spatial information, amino acid conservation, physicochemical variation, residue mobility, and thermodynamic stability) indicates that this missense variant is expected to disrupt ATM protein function with a positive predictive value of 80%. This variant disrupts the p.Arg2832 amino acid residue in ATM. Other variant(s) that disrupt this residue have been determined to be pathogenic (PMID: 9443866, 10817650, 10873394, 12552559, 18634022, 26681312). This suggests that this residue is clinically significant, and that variants that disrupt this residue are likely to be disease-causing. In summary, the available evidence is currently insufficient to determine the role of this variant in disease. Therefore, it has been classified as a Variant of Uncertain Significance.

Neuberg Centre For Genomic Medicine, NCGM
Classification: Likely pathogenic for Ataxia-telangiectasia syndrome. Last evaluated: 2023-06-22. Review status: criteria provided, single submitter. Criteria: ACMG Guidelines, 2015. Collection method: clinical testing. Allele origin: germline. Inheritance: Autosomal recessive inheritance. Affected: yes.
Comment: The missense c.8494C>A (p.Arg2832Ser) variant in the ATM gene which is located in a mutational hot spot has not been reported previously as a pathogenic variant nor as a benign variant, to our knowledge. Different amino acid change (p.Arg2832Cys; p.Arg2832Pro) is reported as a known pathogenic variant (Mitui et al., 2019). This variant is absent in the gnomAD Exomes. The amino acid Arg at position 2832 is changed to a Ser changing protein sequence and it might alter its composition and physico-chemical properties. Multiple lines of computational evidence (Polyphen - Damaging, SIFT - Damaging and MutationTaster - Disease causing) predict a damaging effect on protein structure and function for this variant. The amino acid change p.Arg2832Ser in ATM is predicted as conserved by GERP++ and PhyloP across 100 vertebrates. For these reasons, this variant has been classified as Likely Pathogenic.

Literature cited by the submitters: PubMed 9443866 (cited by Labcorp Genetics (formerly Invitae), Labcorp); PubMed 10817650 (cited by Labcorp Genetics (formerly Invitae), Labcorp); PubMed 10873394 (cited by Labcorp Genetics (formerly Invitae), Labcorp); PubMed 12552559 (cited by Labcorp Genetics (formerly Invitae), Labcorp); PubMed 18634022 (cited by Labcorp Genetics (formerly Invitae), Labcorp); PubMed 26681312 (cited by Labcorp Genetics (formerly Invitae), Labcorp).

NM_000051.4(ATM):c.8494C>A (p.Arg2832Ser)

Genes: ATM (ATM serine/threonine kinase; plus strand), C11orf65 (chromosome 11 open reading frame 65; minus strand). Cytogenetic location: 11q22.3.
Variant type: single nucleotide variant.
Coding change: c.8494C>A on transcript NM_000051.4 (MANE Select); coding-DNA position 8494, C replaced by A.
Protein change: p.Arg2832Ser; replaces arginine 2832 with serine.
Molecular consequence: missense variant. On other transcripts: intron variant (2).
Genome position (GRCh38, 1-based): chr11:108,345,818, C>A. VCF-style: chr11-108345818-C-A. GRCh37 (hg19) VCF-style: chr11-108216545-C-A.
Other names: c.8494C>A, p.Arg2832Ser (NM_001351834.2); c.641-36747G>T (NM_001330368.2); c.695-10526G>T (NM_001351110.2); short protein forms R2832S.
Identifiers: ClinVar variation 3720488 (VCV003720488.2).